The following is an entry in ClinVar:

NM_000284.4(PDHA1):c.57+2410dup

Gene: PDHA1 (pyruvate dehydrogenase E1 subunit alpha 1; plus strand). Cytogenetic location: Xp22.12.
Variant type: Duplication.
Coding change: c.57+2410dup on transcript NM_000284.4 (MANE Select); 2410 bases into the intron after coding-DNA position 57, one base duplicated (T; older notation c.57+2410dupT).
Molecular consequence: intron variant.
Genome position (GRCh38, 1-based): chrX:19,346,504, T duplicated; the last of 10 consecutive T bases (chrX:19,346,495-19,346,504); duplicating any one gives the same sequence. VCF-style (leftmost placement, unchanged base first): chrX-19346494-A-AT. GRCh37 (hg19) VCF-style: chrX-19364612-A-AT.
Other names: c.58-6dup (NM_001173454.2); c.57+2410dup (NM_001173455.2, NM_001173456.2).
Identifiers: ClinVar variation 445393 (VCV000445393.6), dbSNP rs754393427, ClinGen allele CA10362967.

ClinVar aggregate classification (germline): Benign/Likely benign. Review status: criteria provided, multiple submitters, no conflicts (2 of 4 stars). 3 submissions from 3 submitters: Benign (1); Likely benign (2). Last evaluated 2025-12-10.

Submissions (3):

Dasa
Classification: Benign. Last evaluated: 2025-12-10. Review status: criteria provided, single submitter. Criteria: DASA Assertion Criteria. Collection method: clinical testing. Allele origin: germline.
Comment: NM_001173454.2(PDHA1):c.58-6dup is a splice-region variant. Population frequency is inconsistent with a disease-causing role for this variant, and observations in unaffected individuals support a benign interpretation. Therefore, based on the currently available evidence, this variant is classified as benign.

GeneDx
Classification: Likely benign. Last evaluated: 2022-01-22. Review status: criteria provided, single submitter. Criteria: GeneDx Variant Classification Process June 2021. Collection method: clinical testing. Allele origin: germline. Affected: yes.
Comment: See Variant Classification Assertion Criteria.

Center for Pediatric Genomic Medicine, Children's Mercy Hospital and Clinics
Classification: Likely benign. Last evaluated: 2017-05-04. Review status: criteria provided, single submitter. Criteria: ACMG Guidelines, 2015. Collection method: clinical testing. Allele origin: germline.